The following is an entry in ClinVar:

NM_004795.4(KL):c.2007T>C (p.Tyr669=)

Gene: KL (klotho; plus strand). Cytogenetic location: 13q13.1.
Variant type: single nucleotide variant.
Coding change: c.2007T>C on transcript NM_004795.4 (MANE Select); coding-DNA position 2007, T replaced by C.
Protein change: p.Tyr669=; no amino-acid change (tyrosine 669 retained).
Molecular consequence: synonymous variant.
Genome position (GRCh38, 1-based): chr13:33,061,086, T>C. VCF-style: chr13-33061086-T-C. GRCh37 (hg19) VCF-style: chr13-33635223-T-C.
Other names: c.2007T>C (NM_004795.3).
Identifiers: ClinVar variation 2168450 (VCV002168450.5), dbSNP rs143948325, ClinGen allele CA6944225.

ClinVar aggregate classification (germline): Likely benign. Review status: criteria provided, multiple submitters, no conflicts (2 of 4 stars). 2 submissions from 2 submitters: Likely benign (2). Last evaluated 2024-12-19.

Conditions:
KL-related disorder. Also called: KL-related condition.

Allele frequency attached by ClinVar (database versions not stated): gnomAD exomes 0.00001; ExAC 0.00002; gnomAD 0.00011; TOPMed 0.00014; ESP Exome Variant Server 0.00015; 1000 Genomes Project 30x 0.00016; 1000 Genomes Project 0.00020.
gnomAD v4.1: 34 of 1,613,684 alleles (0.0021%); highest among the groups gnomAD compares: African/African-American, 0.044%; no homozygotes.

Submissions (2):

PreventionGenetics, part of Exact Sciences
Classification: Likely benign for KL-related condition. Last evaluated: 2024-12-19. Review status: criteria provided, single submitter. Criteria: ACMG Guidelines, 2015. Collection method: clinical testing. Allele origin: germline.
Comment: This variant is classified as likely benign based on ACMG/AMP sequence variant interpretation guidelines (Richards et al. 2015 PMID: 25741868, with internal and published modifications).

Labcorp Genetics (formerly Invitae), Labcorp
Classification: Likely benign. Last evaluated: 2024-03-27. Review status: criteria provided, single submitter. Criteria: Invitae Variant Classification Sherloc (09022015). Collection method: clinical testing. Allele origin: germline.